The following is an entry in ClinVar:

ClinVar aggregate classification (germline): Likely benign (0 of 4 stars; one submission).

Conditions:
PKD1L1-related disorder. Also called: PKD1L1-related condition.

Allele frequency attached by ClinVar (database versions not stated): gnomAD exomes below 0.00001; ExAC 0.00003; gnomAD 0.00011; TOPMed 0.00011; 1000 Genomes Project 30x 0.00016; ESP Exome Variant Server 0.00023.
gnomAD v4.1: 22 of 1,606,446 alleles (0.0014%); highest among the groups gnomAD compares: African/African-American, 0.029%; no homozygotes.

Submission:

PreventionGenetics, part of Exact Sciences
Classification: Likely benign for PKD1L1-related condition. Last evaluated: 2022-02-23. Review status: no assertion criteria provided. Collection method: clinical testing. Allele origin: germline.
Comment: This variant is classified as likely benign based on ACMG/AMP sequence variant interpretation guidelines (Richards et al. 2015 PMID: 25741868, with internal and published modifications).

NM_138295.5(PKD1L1):c.1692-7C>G

Gene: PKD1L1 (polycystin 1 like 1, transient receptor potential channel interacting; minus strand). Cytogenetic location: 7p12.3.
Variant type: single nucleotide variant.
Coding change: c.1692-7C>G on transcript NM_138295.5 (MANE Select); 7 bases into the intron before coding-DNA position 1692, C replaced by G.
Molecular consequence: intron variant.
Genome position (GRCh38, 1-based): chr7:47,904,624, G>C on the plus strand (C>G on the coding strand, the complement: PKD1L1 is on the minus strand). VCF-style: chr7-47904624-G-C. GRCh37 (hg19) VCF-style: chr7-47944221-G-C.
Identifiers: ClinVar variation 3056055 (VCV003056055.2), dbSNP rs371788679, ClinGen allele CA4253973.